The following is an entry in ClinVar:

NM_001082486.2(ACD):c.1037C>G (p.Pro346Arg)

Gene: ACD (ACD shelterin complex subunit and telomerase recruitment factor; minus strand). Cytogenetic location: 16q22.1.
Variant type: single nucleotide variant.
Coding change: c.1037C>G on transcript NM_001082486.2 (MANE Select); coding-DNA position 1037, C replaced by G.
Protein change: p.Pro346Arg; replaces proline 346 with arginine.
Molecular consequence: missense variant.
Genome position (GRCh38, 1-based): chr16:67,658,155, G>C on the plus strand (C>G on the coding strand, the complement: ACD is on the minus strand). VCF-style: chr16-67658155-G-C. GRCh37 (hg19) VCF-style: chr16-67692058-G-C.
Other names: c.950C>G, p.Pro317Arg (NM_001410884.1); c.1028C>G, p.Pro343Arg (NM_022914.3); short protein forms P343R, P346R, P317R.
Identifiers: ClinVar variation 3261468 (VCV003261468.1).

ClinVar aggregate classification (germline): Uncertain significance (1 of 4 stars; one submission).

Conditions:
Inborn genetic diseases. Identifiers: MedGen C0950123, MeSH D030342.

gnomAD v4.1: 4 of 1,606,394 alleles (0.00025%); highest among the groups gnomAD compares: Admixed American, 0.0017%; no homozygotes.

Submission:

Ambry Genetics
Classification: Uncertain significance for Inborn genetic diseases. Last evaluated: 2024-06-17. Review status: criteria provided, single submitter. Criteria: Ambry Variant Classification Scheme 2023. Collection method: clinical testing. Allele origin: germline.
Comment: The p.P432R variant (also known as c.1295C>G), located in coding exon 10 of the ACD gene, results from a C to G substitution at nucleotide position 1295. The proline at codon 432 is replaced by arginine, an amino acid with dissimilar properties. This amino acid position is conserved. In addition, the in silico prediction for this alteration is inconclusive. Based on the available evidence, the clinical significance of this variant remains unclear.